The following is an entry in ClinVar:

NM_001292063.2(OTOG):c.6686G>A (p.Ser2229Asn)

Gene: OTOG (otogelin; plus strand). Cytogenetic location: 11p15.1.
Variant type: single nucleotide variant.
Coding change: c.6686G>A on transcript NM_001292063.2 (MANE Select); coding-DNA position 6686, G replaced by A.
Protein change: p.Ser2229Asn; replaces serine 2229 with asparagine.
Molecular consequence: missense variant.
Genome position (GRCh38, 1-based): chr11:17,629,290, G>A. VCF-style: chr11-17629290-G-A. GRCh37 (hg19) VCF-style: chr11-17650837-G-A.
Other names: c.6722G>A (NM_001277269.1); c.6722G>A, p.Ser2241Asn (NM_001277269.2); short protein forms S2229N, S2241N.
Identifiers: ClinVar variation 2154671 (VCV002154671.6), dbSNP rs145742889, ClinGen allele CA5906053.
Genomic context (GRCh38, chr11:17,629,290, plus strand): 5'-ACATCCAGATCCAGTGGCTCCACAGCTCAGGACTCATGATCGTGGAGGCCAGCAAAACCA[G>A]CAAGGCCCAGGGCCATGGCCTGTGCGGTGAGGTGGAACCCAGCTTGCGGGGAGGGGATGC-3'
Protein context (NP_001278992.1, residues 2219-2239): GLMIVEASKT[Ser2229Asn]KAQGHGLCGI

ClinVar aggregate classification (germline): Likely benign. Review status: criteria provided, single submitter (1 of 4 stars). 2 submissions from 2 submitters: Likely benign (1). 1 of the submissions does not count toward it. Last evaluated 2025-06-22.

Conditions:
OTOG-related disorder. Also called: OTOG-related condition.

Allele frequency attached by ClinVar (database versions not stated): gnomAD exomes 0.00007; ExAC 0.00041; gnomAD 0.00067; TOPMed 0.00073; 1000 Genomes Project 30x 0.00109; 1000 Genomes Project 0.00140.
gnomAD v4.1: 214 of 1,550,478 alleles (0.014%); highest among the groups gnomAD compares: African/African-American, 0.25%; 1 homozygote.

Submissions (2):

Labcorp Genetics (formerly Invitae), Labcorp
Classification: Likely benign. Last evaluated: 2025-06-22. Review status: criteria provided, single submitter. Criteria: Invitae Variant Classification Sherloc (09022015). Collection method: clinical testing. Allele origin: germline.

PreventionGenetics, part of Exact Sciences
Classification: Likely benign for OTOG-related condition. Last evaluated: 2023-10-02. Review status: no assertion criteria provided. Collection method: clinical testing. Allele origin: germline. Not counted in ClinVar's aggregate classification.
Comment: This variant is classified as likely benign based on ACMG/AMP sequence variant interpretation guidelines (Richards et al. 2015 PMID: 25741868, with internal and published modifications).